The following is an entry in ClinVar:

ClinVar aggregate classification (germline): Uncertain significance (1 of 4 stars; one submission).

Conditions:
Hereditary cancer-predisposing syndrome. Also called: Tumor predisposition; Hereditary Cancer Syndrome; Hereditary neoplastic syndrome; Neoplastic Syndromes, Hereditary. Identifiers: Orphanet 140162, MedGen C0027672, MeSH D009386, MONDO:0015356.

Submission:

Ambry Genetics
Classification: Uncertain significance for Hereditary cancer-predisposing syndrome. Last evaluated: 2024-05-31. Review status: criteria provided, single submitter. Criteria: Ambry Variant Classification Scheme 2023. Collection method: clinical testing. Allele origin: germline.
Comment: The c.6787_6792delGAAGGT variant (also known as p.E2263_G2264del) is located in coding exon 15 of the APC gene. This variant results from an in-frame GAAGGT deletion at nucleotide positions 6787 to 6792. This results in the in-frame deletion of EG residues at codons 2263 to 2264. This amino acid position is not well conserved in available vertebrate species. In addition, the in silico prediction for this alteration is inconclusive (Choi Y et al. PLoS ONE. 2012; 7(10):e46688). Based on the available evidence, the clinical significance of this variant remains unclear.

NM_000038.6(APC):c.6787_6792del (p.Glu2263_Gly2264del)

Gene: APC (APC regulator of Wnt signaling pathway; plus strand). Cytogenetic location: 5q22.2.
Variant type: Deletion.
Coding change: c.6787_6792del on transcript NM_000038.6 (MANE Select); coding-DNA positions 6787 to 6792, 6 bases deleted (GAAGGT; older notation c.6787_6792delGAAGGT).
Protein change: p.Glu2263_Gly2264del.
Molecular consequence: inframe deletion. On other transcripts: non-coding transcript variant (2).
Genome position (GRCh38, 1-based): chr5:112,842,381-112,842,386, GAAGGT deleted; deleting any 6 consecutive bases within chr5:112,842,379-112,842,386 gives the same sequence; the c. name uses the placement nearest the transcript's 3' end. VCF-style (leftmost placement, unchanged base first): chr5-112842378-AGTGAAG-A. GRCh37 (hg19) VCF-style: chr5-112178075-AGTGAAG-A.
Other names: c.6787_6792del, p.Glu2263_Gly2264del (NM_001127510.3, NM_001354895.2, NM_001407450.1); c.6733_6738del, p.Glu2245_Gly2246del (NM_001127511.3); c.6841_6846del, p.Glu2281_Gly2282del (NM_001354896.2, NM_001407447.1, NM_001407448.1 and 1 more transcripts); c.6817_6822del, p.Glu2273_Gly2274del (NM_001354897.2); c.6712_6717del, p.Glu2238_Gly2239del (NM_001354898.2); c.6703_6708del, p.Glu2235_Gly2236del (NM_001354899.2); c.6664_6669del, p.Glu2222_Gly2223del (NM_001354900.2); c.6610_6615del, p.Glu2204_Gly2205del (NM_001354901.2, NM_001407453.1); and 11 more.
Identifiers: ClinVar variation 3305422 (VCV003305422.1).